The following is an entry in ClinVar:

NM_022436.3(ABCG5):c.941G>A (p.Arg314Gln)

Genes: ABCG5 (ATP binding cassette subfamily G member 5; minus strand), DYNC2LI1 (dynein cytoplasmic 2 light intermediate chain 1; plus strand). Cytogenetic location: 2p21.
Variant type: single nucleotide variant.
Coding change: c.941G>A on transcript NM_022436.3 (MANE Select); coding-DNA position 941, G replaced by A.
Protein change: p.Arg314Gln; replaces arginine 314 with glutamine.
Molecular consequence: missense variant. On other transcripts: intron variant (2).
Genome position (GRCh38, 1-based): chr2:43,824,396, C>T on the plus strand (G>A on the coding strand, the complement: ABCG5 is on the minus strand). VCF-style: chr2-43824396-C-T. GRCh37 (hg19) VCF-style: chr2-44051535-C-T.
Other names: p.Arg314Gln; c.*16-2990C>T (NM_001348913.2, NM_001348912.2); short protein forms R314Q.
Identifiers: ClinVar variation 1511687 (VCV001511687.9), dbSNP rs544541406, ClinGen allele CA46462832.

ClinVar aggregate classification (germline): Uncertain significance. Review status: criteria provided, multiple submitters, no conflicts (2 of 4 stars). 4 submissions from 4 submitters: Uncertain significance (4). Last evaluated 2025-09-18.

Conditions:
Cardiovascular phenotype. Identifiers: MedGen CN230736.
Sitosterolemia (STSL). Also called: PHYTOSTEROLEMIA. Identifiers: Orphanet 2882, MedGen C0342907, MONDO:0008863.
Sitosterolemia 2. Identifiers: MedGen C5231453, MONDO:0020748, OMIM 618666.

Allele frequency attached by ClinVar (database versions not stated): TOPMed 0.00002; gnomAD 0.00001; gnomAD exomes 0.00002.
gnomAD v4.1: 78 of 1,614,048 alleles (0.0048%); highest among the groups gnomAD compares: Non-Finnish European, 0.0062%; no homozygotes.

Submissions (4):

Mayo Clinic Laboratories, Mayo Clinic
Classification: Uncertain significance. Last evaluated: 2025-09-18. Review status: criteria provided, single submitter. Criteria: ACMG Guidelines, 2015. Collection method: clinical testing. Allele origin: germline. Observed: 1 variant allele.
Comment: BP4_moderate, PM2_supporting

Revvity Omics, Revvity
Classification: Uncertain significance for Sitosterolemia 2. Last evaluated: 2024-06-25. Review status: criteria provided, single submitter. Criteria: ACMG Guidelines, 2015. Collection method: clinical testing. Allele origin: germline.

Ambry Genetics
Classification: Uncertain significance for Cardiovascular phenotype. Last evaluated: 2022-08-07. Review status: criteria provided, single submitter. Criteria: Ambry Variant Classification Scheme 2023. Collection method: clinical testing. Allele origin: germline.
Comment: The p.R314Q variant (also known as c.941G>A), located in coding exon 8 of the ABCG5 gene, results from a G to A substitution at nucleotide position 941. The arginine at codon 314 is replaced by glutamine, an amino acid with highly similar properties. This amino acid position is conserved. In addition, the in silico prediction for this alteration is inconclusive. Since supporting evidence is limited at this time, the clinical significance of this alteration remains unclear.

Labcorp Genetics (formerly Invitae), Labcorp
Classification: Uncertain significance for Sitosterolemia. Last evaluated: 2022-08-05. Review status: criteria provided, single submitter. Criteria: Invitae Variant Classification Sherloc (09022015). Collection method: clinical testing. Allele origin: germline.
Comment: This sequence change replaces arginine, which is basic and polar, with glutamine, which is neutral and polar, at codon 314 of the ABCG5 protein (p.Arg314Gln). This variant is present in population databases (rs544541406, gnomAD 0.004%). This variant has not been reported in the literature in individuals affected with ABCG5-related conditions. ClinVar contains an entry for this variant (Variation ID: 1511687). Algorithms developed to predict the effect of missense changes on protein structure and function (SIFT, PolyPhen-2, Align-GVGD) all suggest that this variant is likely to be disruptive. In summary, the available evidence is currently insufficient to determine the role of this variant in disease. Therefore, it has been classified as a Variant of Uncertain Significance.